The following is an entry in ClinVar:

ClinVar aggregate classification (germline): Uncertain significance. Review status: criteria provided, multiple submitters, no conflicts (2 of 4 stars). 3 submissions from 3 submitters: Uncertain significance (3). Last evaluated 2026-05-27.

Conditions:
Nail-patella syndrome (NPS). Also called: ONYCHOOSTEODYSPLASIA; TURNER-KIESER SYNDROME; FONG DISEASE. Identifiers: Orphanet 2614, MedGen C0027341, MONDO:0008061, OMIM 161200.
Nail-patella-like renal disease. Also called: GLOMERULAR BASEMENT MEMBRANE DISEASE, NAIL-PATELLA SYNDROME TYPE; Focal Segmental Glomerulosclerosis 10. Identifiers: Orphanet 2613, MedGen C0403548, MONDO:0009724, OMIM 256020.
Inborn genetic diseases. Identifiers: MedGen C0950123, MeSH D030342.

gnomAD v4.1: 20 of 1,601,736 alleles (0.0012%); highest among the groups gnomAD compares: Non-Finnish European, 0.0017%; no homozygotes.

Submissions (3):

Ambry Genetics
Classification: Uncertain significance for Inborn genetic diseases. Last evaluated: 2026-05-27. Review status: criteria provided, single submitter. Criteria: Ambry Variant Classification Scheme 2023. Collection method: clinical testing. Allele origin: germline.

Labcorp Genetics (formerly Invitae), Labcorp
Classification: Uncertain significance. Last evaluated: 2025-06-03. Review status: criteria provided, single submitter. Criteria: Invitae Variant Classification Sherloc (09022015). Collection method: clinical testing. Allele origin: germline.
Comment: This sequence change replaces proline, which is neutral and non-polar, with leucine, which is neutral and non-polar, at codon 39 of the LMX1B protein (p.Pro39Leu). The frequency data for this variant in the population databases is considered unreliable, as metrics indicate poor data quality at this position in the gnomAD database. This variant has not been reported in the literature in individuals affected with LMX1B-related conditions. ClinVar contains an entry for this variant (Variation ID: 3596436). An algorithm developed to predict the effect of missense changes on protein structure and function (PolyPhen-2) suggests that this variant is likely to be tolerated. In summary, the available evidence is currently insufficient to determine the role of this variant in disease. Therefore, it has been classified as a Variant of Uncertain Significance.

Fulgent Genetics
Classification: Uncertain significance for Nail-patella syndrome; Nail-patella-like renal disease. Last evaluated: 2024-01-24. Review status: criteria provided, single submitter. Criteria: ACMG Guidelines, 2015. Collection method: clinical testing. Allele origin: germline.

NM_001174147.2(LMX1B):c.116C>T (p.Pro39Leu)

Gene: LMX1B (LIM homeobox transcription factor 1 beta; plus strand). Cytogenetic location: 9q33.3.
Variant type: single nucleotide variant.
Coding change: c.116C>T on transcript NM_001174147.2 (MANE Select); coding-DNA position 116, C replaced by T.
Protein change: p.Pro39Leu; replaces proline 39 with leucine.
Molecular consequence: missense variant.
Genome position (GRCh38, 1-based): chr9:126,614,565, C>T. VCF-style: chr9-126614565-C-T. GRCh37 (hg19) VCF-style: chr9-129376844-C-T.
Other names: c.116C>T, p.Pro39Leu (NM_001174146.2, NM_002316.4); c.116C>T (NM_002316.3); short protein forms P39L.
Identifiers: ClinVar variation 3596436 (VCV003596436.3).